The following is an entry in ClinVar:

NM_002202.3(ISL1):c.1008A>G (p.Pro336=)

Gene: ISL1 (ISL LIM homeobox 1; plus strand). Cytogenetic location: 5q11.1.
Variant type: single nucleotide variant.
Coding change: c.1008A>G on transcript NM_002202.3 (MANE Select); coding-DNA position 1008, A replaced by G.
Protein change: p.Pro336=; no amino-acid change (proline 336 retained).
Molecular consequence: synonymous variant.
Genome position (GRCh38, 1-based): chr5:51,393,568, A>G. VCF-style: chr5-51393568-A-G. GRCh37 (hg19) VCF-style: chr5-50689402-A-G.
Identifiers: ClinVar variation 4988243 (VCV004988243.1).

ClinVar aggregate classification (germline): Likely benign (1 of 4 stars; one submission).

Conditions:
ISL1-related disorder. Also called: ISL1-related condition.

gnomAD v4.1: 5 of 1,613,296 alleles (0.00031%); highest among the groups gnomAD compares: Admixed American, 0.0083%; 1 homozygote.

Submission:

PreventionGenetics, part of Exact Sciences
Classification: Likely benign for ISL1-related condition. Last evaluated: 2024-11-25. Review status: criteria provided, single submitter. Criteria: ACMG Guidelines, 2015. Collection method: clinical testing. Allele origin: germline.
Comment: This variant is classified as likely benign based on ACMG/AMP sequence variant interpretation guidelines (Richards et al. 2015 PMID: 25741868, with internal and published modifications).